The following is an entry in ClinVar:

NM_004341.5(CAD):c.3088C>T (p.Gln1030Ter)

Gene: CAD (carbamoyl-phosphate synthetase 2, aspartate transcarbamylase, and dihydroorotase; plus strand). Cytogenetic location: 2p23.3.
Variant type: single nucleotide variant.
Coding change: c.3088C>T on transcript NM_004341.5 (MANE Select); coding-DNA position 3088, C replaced by T.
Protein change: p.Gln1030Ter; replaces glutamine 1030 with a stop codon.
Molecular consequence: nonsense.
Genome position (GRCh38, 1-based): chr2:27,233,408, C>T. VCF-style: chr2-27233408-C-T. GRCh37 (hg19) VCF-style: chr2-27456276-C-T.
Other names: c.2899C>T, p.Gln967Ter (NM_001306079.2); short protein forms Q967*, Q1030*.
Identifiers: ClinVar variation 1439500 (VCV001439500.6), dbSNP rs2148078325, ClinGen allele CA346213662.

ClinVar aggregate classification (germline): Pathogenic (1 of 4 stars; one submission).

Submission:

Labcorp Genetics (formerly Invitae), Labcorp
Classification: Pathogenic. Last evaluated: 2021-10-20. Review status: criteria provided, single submitter. Criteria: Invitae Variant Classification Sherloc (09022015). Collection method: clinical testing. Allele origin: germline.
Comment: This sequence change creates a premature translational stop signal (p.Gln1030*) in the CAD gene. It is expected to result in an absent or disrupted protein product. Loss-of-function variants in CAD are known to be pathogenic (PMID: 28007989, 32117025, 32820246, 33497533). This variant is not present in population databases (ExAC no frequency). This variant has not been reported in the literature in individuals affected with CAD-related conditions. Algorithms developed to predict the effect of sequence changes on RNA splicing suggest that this variant may create or strengthen a splice site. For these reasons, this variant has been classified as Pathogenic.

Literature cited by the submitters: PubMed 28007989; PubMed 32117025; PubMed 32820246; PubMed 33497533.